The following is an entry in ClinVar:

NM_001365276.2(TNXB):c.1750G>T (p.Asp584Tyr)

Gene: TNXB (tenascin XB; minus strand). Cytogenetic location: 6p21.33.
Variant type: single nucleotide variant.
Coding change: c.1750G>T on transcript NM_001365276.2 (MANE Select); coding-DNA position 1750, G replaced by T.
Protein change: p.Asp584Tyr; replaces aspartic acid 584 with tyrosine.
Molecular consequence: missense variant.
Genome position (GRCh38, 1-based): chr6:32,096,103, C>A on the plus strand (G>T on the coding strand, the complement: TNXB is on the minus strand). VCF-style: chr6-32096103-C-A. GRCh37 (hg19) VCF-style: chr6-32063880-C-A.
Other names: p.Asp584Tyr; c.1750G>T, p.Asp584Tyr (NM_019105.8); short protein forms D584Y.
Identifiers: ClinVar variation 2451182 (VCV002451182.3), dbSNP rs1390018472, ClinGen allele CA363477916.

ClinVar aggregate classification (germline): Uncertain significance. Review status: criteria provided, multiple submitters, no conflicts (2 of 4 stars). 2 submissions from 2 submitters: Uncertain significance (2). Last evaluated 2025-10-01.

Conditions:
Cardiovascular phenotype. Identifiers: MedGen CN230736.

Allele frequency attached by ClinVar (database versions not stated): gnomAD 0.00001; gnomAD exomes below 0.00001.
gnomAD v4.1: 3 of 1,608,982 alleles (0.00019%); highest among the groups gnomAD compares: Non-Finnish European, 0.00025%; no homozygotes.

Submissions (2):

Mayo Clinic Laboratories, Mayo Clinic
Classification: Uncertain significance. Last evaluated: 2025-10-01. Review status: criteria provided, single submitter. Criteria: ACMG Guidelines, 2015. Collection method: clinical testing. Allele origin: germline. Observed: 1 variant allele.
Comment: PM2_supporting

Ambry Genetics
Classification: Uncertain significance for Cardiovascular phenotype. Last evaluated: 2023-02-16. Review status: criteria provided, single submitter. Criteria: Ambry Variant Classification Scheme 2023. Collection method: clinical testing. Allele origin: germline.
Comment: The p.D584Y variant (also known as c.1750G>T), located in coding exon 2 of the TNXB gene, results from a G to T substitution at nucleotide position 1750. The aspartic acid at codon 584 is replaced by tyrosine, an amino acid with highly dissimilar properties. This amino acid position is conserved. In addition, the in silico prediction for this alteration is inconclusive. Since supporting evidence is limited at this time, the clinical significance of this alteration remains unclear.